The following is an entry in ClinVar:

ClinVar aggregate classification (germline): Uncertain significance (1 of 4 stars; one submission).

gnomAD v4.1: 1 of 1,614,038 alleles (0.000062%); highest among the groups gnomAD compares: Non-Finnish European, 0.000085%; no homozygotes.

Submission:

Labcorp Genetics (formerly Invitae), Labcorp
Classification: Uncertain significance. Last evaluated: 2024-07-23. Review status: criteria provided, single submitter. Criteria: Invitae Variant Classification Sherloc (09022015). Collection method: clinical testing. Allele origin: germline.
Comment: This sequence change replaces serine, which is neutral and polar, with alanine, which is neutral and non-polar, at codon 240 of the KCNH1 protein (p.Ser240Ala). This variant is not present in population databases (gnomAD no frequency). This variant has not been reported in the literature in individuals affected with KCNH1-related conditions. Advanced modeling of protein sequence and biophysical properties (such as structural, functional, and spatial information, amino acid conservation, physicochemical variation, residue mobility, and thermodynamic stability) performed at Invitae indicates that this missense variant is expected to disrupt KCNH1 protein function with a positive predictive value of 95%. In summary, the available evidence is currently insufficient to determine the role of this variant in disease. Therefore, it has been classified as a Variant of Uncertain Significance.

NM_172362.3(KCNH1):c.718T>G (p.Ser240Ala)

Gene: KCNH1 (potassium voltage-gated channel subfamily H member 1; minus strand). Cytogenetic location: 1q32.2.
Variant type: single nucleotide variant.
Coding change: c.718T>G on transcript NM_172362.3 (MANE Select); coding-DNA position 718, T replaced by G.
Protein change: p.Ser240Ala; replaces serine 240 with alanine.
Molecular consequence: missense variant.
Genome position (GRCh38, 1-based): chr1:211,019,097, A>C on the plus strand (T>G on the coding strand, the complement: KCNH1 is on the minus strand). VCF-style: chr1-211019097-A-C. GRCh37 (hg19) VCF-style: chr1-211192439-A-C.
Other names: c.718T>G, p.Ser240Ala (NM_002238.4); short protein forms S240A.
Identifiers: ClinVar variation 3633738 (VCV003633738.2).